The following is an entry in ClinVar:

ClinVar aggregate classification (germline): Likely benign. Review status: criteria provided, multiple submitters, no conflicts (2 of 4 stars). 6 submissions from 6 submitters: Likely benign (6). Last evaluated 2026-02-01.

Conditions:
PTPRQ-related disorder. Also called: PTPRQ-related condition.
Autosomal recessive nonsyndromic hearing loss 84A. Also called: DEAFNESS, AUTOSOMAL RECESSIVE 84A; DEAFNESS, AUTOSOMAL RECESSIVE 84A, WITH VESTIBULAR DYSFUNCTION. Identifiers: Orphanet 90636, MedGen C3150654, MONDO:0013249, OMIM 613391.

Allele frequency attached by ClinVar (database versions not stated): gnomAD 0.00034 and 0.00040; ExAC 0.00036; TOPMed 0.00040; ESP Exome Variant Server 0.00066.
gnomAD v4.1: 632 of 1,551,134 alleles (0.041%); highest among the groups gnomAD compares: Middle Eastern, 2.4%; 2 homozygotes.

Submissions (6):

CeGaT Center for Human Genetics Tuebingen
Classification: Likely benign. Last evaluated: 2026-02-01. Review status: criteria provided, single submitter. Criteria: CeGaT Center For Human Genetics Tuebingen Variant Classification Criteria Version 2. Collection method: clinical testing. Allele origin: germline. Affected: yes. Observed: 2 variant alleles.
Comment: PTPRQ: BS2

PreventionGenetics, part of Exact Sciences
Classification: Likely benign for PTPRQ-related condition. Last evaluated: 2025-12-27. Review status: criteria provided, single submitter. Criteria: ACMG Guidelines, 2015. Collection method: clinical testing. Allele origin: germline.
Comment: This variant is classified as likely benign based on ACMG/AMP sequence variant interpretation guidelines (Richards et al. 2015 PMID: 25741868, with internal and published modifications).

Blueprint Genetics
Classification: Likely benign. Last evaluated: 2024-10-22. Review status: criteria provided, single submitter. Criteria: ACMG Guidelines, 2015. Collection method: clinical testing. Allele origin: germline.

Daryl Scott Lab, Baylor College of Medicine
Classification: Likely benign for Autosomal recessive nonsyndromic hearing loss 84A. Last evaluated: 2023-11-10. Review status: criteria provided, single submitter. Criteria: ACMG Guidelines, 2015. Collection method: clinical testing. Allele origin: biparental.

GeneDx
Classification: Likely benign. Last evaluated: 2020-12-31. Review status: criteria provided, single submitter. Criteria: GeneDx Variant Classification Process June 2021. Collection method: clinical testing. Allele origin: germline. Affected: yes.

Breakthrough Genomics
Classification: Likely benign. Review status: criteria provided, single submitter. Criteria: ACMG Guidelines, 2015. Collection method: not provided. Allele origin: germline. Inheritance: Autosomal recessive inheritance. Affected: yes.

NM_001145026.2(PTPRQ):c.6568G>T (p.Ala2190Ser)

Gene: PTPRQ (protein tyrosine phosphatase receptor type Q; plus strand). Cytogenetic location: 12q21.31.
Variant type: single nucleotide variant.
Coding change: c.6568G>T on transcript NM_001145026.2 (MANE Select); coding-DNA position 6568, G replaced by T.
Protein change: p.Ala2190Ser; replaces alanine 2190 with serine.
Molecular consequence: missense variant.
Genome position (GRCh38, 1-based): chr12:80,670,458, G>T. VCF-style: chr12-80670458-G-T. GRCh37 (hg19) VCF-style: chr12-81064237-G-T.
Other names: short protein forms A2190S.
Identifiers: ClinVar variation 1219883 (VCV001219883.30), dbSNP rs199746225, ClinGen allele CA6702973.